The following is an entry in ClinVar:

ClinVar aggregate classification (germline): Conflicting classifications of pathogenicity. Review status: criteria provided, conflicting classifications (1 of 4 stars). 6 submissions from 6 submitters: Pathogenic (3); Likely pathogenic (1); Uncertain significance (1). 1 of the submissions does not count toward it. Last evaluated 2026-07-01.

Conditions:
Severe congenital neutropenia (SCN). Identifiers: Orphanet 42738, MedGen C1853118, MONDO:0018542.
Autosomal recessive severe congenital neutropenia due to JAGN1 deficiency. Also called: Severe congenital neutropenia 6, autosomal recessive. Identifiers: Orphanet 423384, MedGen C4014954, MONDO:0014456, OMIM 616022.

Submissions (6):

CeGaT Center for Human Genetics Tuebingen
Classification: Likely pathogenic. Last evaluated: 2026-07-01. Review status: criteria provided, single submitter. Criteria: CeGaT Center For Human Genetics Tuebingen Variant Classification Criteria Version 2. Collection method: clinical testing. Allele origin: germline. Affected: yes. Observed: 6 variant alleles.
Comment: JAGN1: PM2, PM3, PP4, PS3:Supporting

Labcorp Genetics (formerly Invitae), Labcorp
Classification: Uncertain significance for Autosomal recessive severe congenital neutropenia due to JAGN1 deficiency. Last evaluated: 2023-06-21. Review status: criteria provided, single submitter. Criteria: Invitae Variant Classification Sherloc (09022015). Collection method: clinical testing. Allele origin: germline.
Comment: In summary, the available evidence is currently insufficient to determine the role of this variant in disease. Therefore, it has been classified as a Variant of Uncertain Significance. Experimental studies have shown that this missense change affects JAGN1 function (PMID: 25129144, 33206996). An algorithm developed to predict the effect of missense changes on protein structure and function (PolyPhen-2) suggests that this variant is likely to be disruptive. ClinVar contains an entry for this variant (Variation ID: 156115). This missense change has been observed in individual(s) with congenital neutropenia (PMID: 25129144, 30443436, 31031743). This variant is not present in population databases (gnomAD no frequency). This sequence change replaces glutamic acid, which is acidic and polar, with aspartic acid, which is acidic and polar, at codon 21 of the JAGN1 protein (p.Glu21Asp).

Institute of Medical Genetics and Applied Genomics, University Hospital Tübingen
Classification: Pathogenic. Last evaluated: 2020-10-23. Review status: criteria provided, single submitter. Criteria: ACMG Guidelines, 2015. Collection method: clinical testing. Allele origin: germline. Inheritance: Autosomal recessive inheritance. Affected: yes.

Klein lab, Ludwig-Maximilians-University
Classification: Pathogenic for Severe congenital neutropenia. Last evaluated: 2013-01-01. Review status: criteria provided, single submitter. Criteria: Submitter's publication. Collection method: in vitro. Allele origin: germline. Inheritance: Autosomal recessive inheritance. Affected: yes. Observed: 1 variant allele, 1 homozygote.
Comment: Neutropenia patients with mutations in JAGN1 respond poorly to treatment with recombinant human G-CSF

Institute for Medical Genetics and Human Genetics, Charité - Universitätsmedizin Berlin
Classification: Pathogenic for Autosomal recessive severe congenital neutropenia due to JAGN1 deficiency. Review status: criteria provided, single submitter. Criteria: ACMG Guidelines, 2015. Collection method: not provided. Allele origin: germline. Inheritance: Autosomal recessive inheritance. Affected: yes.

OMIM
Classification: Pathogenic for NEUTROPENIA, SEVERE CONGENITAL, 6, AUTOSOMAL RECESSIVE. Last evaluated: 2014-09-01. Review status: no assertion criteria provided. Collection method: literature only. Allele origin: germline. Not counted in ClinVar's aggregate classification.

Literature cited by the submitters: PubMed 25129144 (cited by Labcorp Genetics (formerly Invitae), Labcorp and OMIM); PubMed 33206996 (cited by Labcorp Genetics (formerly Invitae), Labcorp); PubMed 30443436 (cited by Labcorp Genetics (formerly Invitae), Labcorp); PubMed 31031743 (cited by Labcorp Genetics (formerly Invitae), Labcorp).

NM_032492.4(JAGN1):c.63G>T (p.Glu21Asp)

Gene: JAGN1 (jagunal vesicle mediated transporter 1; plus strand). Cytogenetic location: 3p25.3.
Variant type: single nucleotide variant.
Coding change: c.63G>T on transcript NM_032492.4 (MANE Select); coding-DNA position 63, G replaced by T.
Protein change: p.Glu21Asp; replaces glutamic acid 21 with aspartic acid.
Molecular consequence: missense variant. On other transcripts: 5 prime UTR variant (1).
Genome position (GRCh38, 1-based): chr3:9,890,785, G>T. VCF-style: chr3-9890785-G-T. GRCh37 (hg19) VCF-style: chr3-9932469-G-T.
Other names: c.63G>T, p.Glu21Asp (LRG_1228t1); c.-206G>T (NM_001363890.1); short protein forms E21D.
Identifiers: ClinVar variation 156115 (VCV000156115.40), dbSNP rs587777729, ClinGen allele CA170769.
Genomic context (GRCh38, chr3:9,890,785, plus strand): 5'-GGCGTCTCGAGCAGGCCCGCGAGCGGCCGGCACCGACGGCAGCGACTTTCAGCACCGGGA[G>T]CGCGTCGCCATGCACTACCAGATGAGGTATGAAGTGAGGCGAGGAGCACGGAGGCTTTCT-3'
Protein context (NP_115881.3, residues 11-31): GTDGSDFQHR[Glu21Asp]RVAMHYQMSV